The following is an entry in ClinVar:

NM_025114.4(CEP290):c.5607_5608del (p.Asn1869fs)

Gene: CEP290 (centrosomal protein 290; minus strand). Cytogenetic location: 12q21.32.
Variant type: Deletion.
Coding change: c.5607_5608del on transcript NM_025114.4 (MANE Select); coding-DNA positions 5607 to 5608, 2 bases deleted (TA; older notation c.5607_5608delTA).
Protein change: p.Asn1869fs; shifts the reading frame from asparagine 1869.
Molecular consequence: frameshift variant.
Genome position (GRCh38, 1-based): chr12:88,077,323-88,077,324, TA deleted on the plus strand (TA on the coding strand, the reverse complement: CEP290 is on the minus strand); deleting any 2 consecutive bases within chr12:88,077,323-88,077,325 gives the same sequence; the c. name uses the placement nearest the transcript's 3' end. VCF-style (leftmost placement, unchanged base first): chr12-88077322-TTA-T. GRCh37 (hg19) VCF-style: chr12-88471099-TTA-T.
Other names: short protein forms N1869fs.
Identifiers: ClinVar variation 5015317 (VCV005015317.1).

ClinVar aggregate classification (germline): Pathogenic (1 of 4 stars; one submission).

Conditions:
CEP290-related ciliopathy. Also called: CEP290 ciliopathy. Identifiers: MedGen CN305601, MONDO:0100451.

Submission:

Myriad Genetics, Inc.
Classification: Pathogenic for CEP290-related ciliopathy. Last evaluated: 2025-12-13. Review status: criteria provided, single submitter. Criteria: Myriad Autosomal Dominant, Autosomal Recessive and X-Linked Classification Criteria (2023). Collection method: clinical testing. Allele origin: unknown.
Comment: NM_025114.3(CEP290):c.5607_5608delTA(N1869Kfs*6) is expected to be pathogenic in the context of CEP290-related disorders. This variant is predicted to lead to an abnormal or absent protein product due to the creation of a premature termination codon in CEP290, a gene where loss-of-function variants are known to be pathogenic. Please note: this variant was assessed in the context of healthy population screening.